The following is an entry in ClinVar:

ClinVar aggregate classification (germline): Uncertain significance (1 of 4 stars; one submission).

Submission:

GeneDx
Classification: Uncertain significance. Last evaluated: 2022-12-29. Review status: criteria provided, single submitter. Criteria: GeneDx Variant Classification Process June 2021. Collection method: clinical testing. Allele origin: germline. Affected: yes.
Comment: Not observed at significant frequency in large population cohorts (gnomAD); In silico analysis supports that this missense variant does not alter protein structure/function; Has not been previously published as pathogenic or benign to our knowledge

NM_001322934.2(NFKB2):c.2275A>T (p.Thr759Ser)

Gene: NFKB2 (nuclear factor kappa B subunit 2; plus strand). Cytogenetic location: 10q24.32.
Variant type: single nucleotide variant.
Coding change: c.2275A>T on transcript NM_001322934.2 (MANE Select); coding-DNA position 2275, A replaced by T.
Protein change: p.Thr759Ser; replaces threonine 759 with serine.
Molecular consequence: missense variant.
Genome position (GRCh38, 1-based): chr10:102,401,500, A>T. VCF-style: chr10-102401500-A-T. GRCh37 (hg19) VCF-style: chr10-104161257-A-T.
Other names: c.2275A>T, p.Thr759Ser (NM_001077493.1, NM_001077494.3, NM_001261403.3 and 2 more transcripts); c.2149A>T, p.Thr717Ser (NM_001322935.1); short protein forms T717S, T759S.
Identifiers: ClinVar variation 2507155 (VCV002507155.1), dbSNP rs2544601526, ClinGen allele CA377904887.